The following is an entry in ClinVar:

NM_000530.8(MPZ):c.234+1G>A

Gene: MPZ (myelin protein zero; minus strand). Cytogenetic location: 1q23.3.
Variant type: single nucleotide variant.
Coding change: c.234+1G>A on transcript NM_000530.8 (MANE Select); the canonical splice donor site of the intron after coding-DNA position 234, G replaced by A.
Molecular consequence: splice donor variant.
Genome position (GRCh38, 1-based): chr1:161,307,257, C>T on the plus strand (G>A on the coding strand, the complement: MPZ is on the minus strand). VCF-style: chr1-161307257-C-T. GRCh37 (hg19) VCF-style: chr1-161277047-C-T.
Other names: c.234+1G>A (NM_001315491.2).
Identifiers: ClinVar variation 2572063 (VCV002572063.3), dbSNP rs2526243073, ClinGen allele CA343350251.

ClinVar aggregate classification (germline): Pathogenic (1 of 4 stars; one submission).

Conditions:
Charcot-Marie-Tooth disease type 1B. Also called: Charcot-Marie-Tooth disease, demyelinating, type 1b; Hereditary motor and sensory neuropathy 1B; Charcot-Marie-Tooth disease, type IB; CHARCOT-MARIE-TOOTH DISEASE, AUTOSOMAL DOMINANT, WITH FOCALLY FOLDED MYELIN SHEATHS, TYPE 1B; CHARCOT-MARIE-TOOTH DISEASE, SLOW NERVE CONDUCTION TYPE, LINKED TO DUFFY; CHARCOT-MARIE-TOOTH NEUROPATHY, TYPE 1B. Identifiers: Orphanet 101082, MedGen C0270912, MONDO:0007307, OMIM 118200.

Allele frequency attached by ClinVar (database versions not stated): gnomAD exomes below 0.00001.

Submission:

Uffe Birk Jensen Lab, Aarhus University Hospital
Classification: Pathogenic for Charcot-Marie-Tooth disease type 1B. Last evaluated: 2023-07-10. Review status: criteria provided, single submitter. Criteria: ACMG Guidelines, 2015. Collection method: clinical testing, in vivo. Allele origin: germline. Affected: yes. Observed: 1 heterozygote. Functional consequence: splice_donor_variant_NMD_triggering.
Comment: The variant disrupts the cannonical splice donor motif of exon 2 (NM_000530.8) and is absent from control databases. Multiple in silico tools predict a loss of the natural splico donor site. RNA-Seq in patient fibroblasts was abnormal due to a high frequency of exon-skipping; allelic expression analysis was not possible.

Literature cited by the submitters: PubMed 38272032.